The following is an entry in ClinVar:

ClinVar aggregate classification (germline): Uncertain significance (1 of 4 stars; one submission).

Submission:

Labcorp Genetics (formerly Invitae), Labcorp
Classification: Uncertain significance. Last evaluated: 2023-08-16. Review status: criteria provided, single submitter. Criteria: Invitae Variant Classification Sherloc (09022015). Collection method: clinical testing. Allele origin: germline.
Comment: This variant is not present in population databases (gnomAD no frequency). This sequence change replaces alanine, which is neutral and non-polar, with glycine, which is neutral and non-polar, at codon 52 of the GUCA1A protein (p.Ala52Gly). This variant has not been reported in the literature in individuals affected with GUCA1A-related conditions. In summary, the available evidence is currently insufficient to determine the role of this variant in disease. Therefore, it has been classified as a Variant of Uncertain Significance. An algorithm developed to predict the effect of missense changes on protein structure and function (PolyPhen-2) suggests that this variant is likely to be tolerated.

NM_001384910.1(GUCA1A):c.155C>G (p.Ala52Gly)

Genes: GUCA1A (guanylate cyclase activator 1A; plus strand), GUCA1ANB-GUCA1A (GUCA1ANB-GUCA1A readthrough; plus strand). Cytogenetic location: 6p21.1.
Variant type: single nucleotide variant.
Coding change: c.155C>G on transcript NM_001384910.1 (MANE Select); coding-DNA position 155, C replaced by G.
Protein change: p.Ala52Gly; replaces alanine 52 with glycine.
Molecular consequence: missense variant.
Genome position (GRCh38, 1-based): chr6:42,173,768, C>G. VCF-style: chr6-42173768-C-G. GRCh37 (hg19) VCF-style: chr6-42141506-C-G.
Other names: c.155C>G, p.Ala52Gly (NM_000409.5, NM_001319061.2, NM_001319062.2); short protein forms A52G.
Identifiers: ClinVar variation 2753173 (VCV002753173.3), dbSNP rs765744776, ClinGen allele CA364105966.
Genomic context (GRCh38, chr6:42,173,768, plus strand): 5'-GCCAACTCACCCTCTATGAGTTCCGCCAGTTCTTCGGCCTCAAGAACCTGAGCCCGTCGG[C>G]CAGCCAGTACGTGGAACAGATGTTTGAGACTTTTGACTTCAACAAGGTGAGCAGGGGCCC-3'
Protein context (NP_001371839.1, residues 42-62): FFGLKNLSPS[Ala52Gly]SQYVEQMFET